The following is an entry in ClinVar:

ClinVar aggregate classification (germline): Uncertain significance (1 of 4 stars; one submission).

Submission:

Labcorp Genetics (formerly Invitae), Labcorp
Classification: Uncertain significance. Last evaluated: 2024-11-29. Review status: criteria provided, single submitter. Criteria: Invitae Variant Classification Sherloc (09022015). Collection method: clinical testing. Allele origin: germline.
Comment: This sequence change creates a premature translational stop signal (p.Lys208Asnfs*10) in the IL23R gene. It is expected to result in an absent or disrupted protein product. However, the current clinical and genetic evidence is not sufficient to establish whether loss-of-function variants in IL23R cause disease. This variant is not present in population databases (gnomAD no frequency). This variant has not been reported in the literature in individuals affected with IL23R-related conditions. In summary, the available evidence is currently insufficient to determine the role of this variant in disease. Therefore, it has been classified as a Variant of Uncertain Significance.

NM_144701.3(IL23R):c.624del (p.Lys208fs)

Gene: IL23R (interleukin 23 receptor; plus strand). Cytogenetic location: 1p31.3.
Variant type: Deletion.
Coding change: c.624del on transcript NM_144701.3 (MANE Select); coding-DNA position 624, one base deleted (A; older notation c.624delA).
Protein change: p.Lys208fs; shifts the reading frame from lysine 208.
Molecular consequence: frameshift variant.
Genome position (GRCh38, 1-based): chr1:67,200,869, A deleted; the last of 4 consecutive A bases (chr1:67,200,866-67,200,869); deleting any one gives the same sequence. VCF-style (leftmost placement, unchanged base first): chr1-67200865-CA-C. GRCh37 (hg19) VCF-style: chr1-67666548-CA-C.
Other names: short protein forms K208fs.
Identifiers: ClinVar variation 3725686 (VCV003725686.2).
Genomic context (GRCh38, chr1:67,200,865, plus strand): 5'-AAGGTGGCAAGAAGTACTTGGTTTGGGTCCAAGCAGCAAACGCACTAGGCATGGAAGAGT[CA>C]AAACAACTGCAAATTCACCTGGATGATATAGGTAAAGAATAAGAAATTCTGTAAGTCTTT-3'